The following is an entry in ClinVar:

NM_001110556.2(FLNA):c.3612G>A (p.Pro1204=)

Gene: FLNA (filamin A; minus strand). Cytogenetic location: Xq28.
Variant type: single nucleotide variant.
Coding change: c.3612G>A on transcript NM_001110556.2 (MANE Select); coding-DNA position 3612, G replaced by A.
Protein change: p.Pro1204=; no amino-acid change (proline 1204 retained).
Molecular consequence: synonymous variant.
Genome position (GRCh38, 1-based): chrX:154,360,183, C>T on the plus strand (G>A on the coding strand, the complement: FLNA is on the minus strand). VCF-style: chrX-154360183-C-T. GRCh37 (hg19) VCF-style: chrX-153588551-C-T.
Other names: p.Pro1204=; c.3612G>A, p.Pro1204= (NM_001456.4).
Identifiers: ClinVar variation 239019 (VCV000239019.15), dbSNP rs782273962, ClinGen allele CA10560684.

ClinVar aggregate classification (germline): Likely benign. Review status: criteria provided, multiple submitters, no conflicts (2 of 4 stars). 3 submissions from 3 submitters: Likely benign (3). Last evaluated 2025-10-28.

Conditions:
Familial thoracic aortic aneurysm and aortic dissection (TAAD). Also called: Thoracic aortic aneurysms and dissections. Identifiers: Orphanet 91387, MedGen C4707243, MONDO:0019625.
Melnick-Needles syndrome (MNS). Also called: Melnick-Needles Syndrome (FLNA-MNS); MELNICK-NEEDLES OSTEODYSPLASTY; OSTEODYSPLASTY OF MELNICK AND NEEDLES. Identifiers: Orphanet 2484, MedGen C0025237, MONDO:0010650, OMIM 309350.
Frontometaphyseal dysplasia (FMD1). Identifiers: Orphanet 1826, MedGen C0265293, MONDO:0015942.
Heterotopia, periventricular, X-linked dominant (PVNH1). Also called: X-linked periventricular heterotopia; PERIVENTRICULAR NODULAR HETEROTOPIA 4; HETEROTOPIA, PERIVENTRICULAR, 1; PERIVENTRICULAR NODULAR HETEROTOPIA 1. Identifiers: Orphanet 2149, Orphanet 82004, MedGen C1848213, MONDO:0010233, OMIM 300049.
Oto-palato-digital syndrome, type II (OPD2). Also called: Otopalatodigital Syndrome Type 2 (FLNA-OPD2); FACIOPALATOOSSEOUS SYNDROME; OPD II SYNDROME; Otopalatodigital Syndrome, Type II. Identifiers: Orphanet 669, Orphanet 90652, MedGen C1844696, MONDO:0010571, OMIM 304120.

Allele frequency attached by ClinVar (database versions not stated): gnomAD exomes 0.00002 and 0.00003; ExAC 0.00004; gnomAD 0.00007 and 0.00009; TOPMed 0.00012.
gnomAD v4.1: 35 of 1,208,902 alleles (0.0029%); highest among the groups gnomAD compares: African/African-American, 0.016%; no homozygotes.

Submissions (3):

Labcorp Genetics (formerly Invitae), Labcorp
Classification: Likely benign for Oto-palato-digital syndrome, type II; Heterotopia, periventricular, X-linked dominant; Frontometaphyseal dysplasia; Melnick-Needles syndrome. Last evaluated: 2025-10-28. Review status: criteria provided, single submitter. Criteria: Invitae Variant Classification Sherloc (09022015). Collection method: clinical testing. Allele origin: germline.

Mayo Clinic Laboratories, Mayo Clinic
Classification: Likely benign. Last evaluated: 2025-10-18. Review status: criteria provided, single submitter. Criteria: ACMG Guidelines, 2015. Collection method: clinical testing. Allele origin: germline. Observed: 1 variant allele.
Comment: BS2, BP4, BP7

Ambry Genetics
Classification: Likely benign for Familial thoracic aortic aneurysm and aortic dissection. Last evaluated: 2020-02-11. Review status: criteria provided, single submitter. Criteria: Ambry Variant Classification Scheme 2023. Collection method: clinical testing. Allele origin: germline.